The following is an entry in ClinVar:

ClinVar aggregate classification (germline): Likely pathogenic. Review status: criteria provided, multiple submitters, no conflicts (2 of 4 stars). 5 submissions from 5 submitters: Likely pathogenic (5). Last evaluated 2024-08-29.

Conditions:
Hereditary cancer-predisposing syndrome. Also called: Hereditary neoplastic syndrome; Hereditary Cancer Syndrome; Neoplastic Syndromes, Hereditary; Tumor predisposition. Identifiers: Orphanet 140162, MedGen C0027672, MeSH D009386, MONDO:0015356.
Familial adenomatous polyposis 2. Also called: MYH-associated polyposis; COLORECTAL ADENOMATOUS POLYPOSIS, AUTOSOMAL RECESSIVE; ADENOMAS, MULTIPLE COLORECTAL, AUTOSOMAL RECESSIVE; MUTYH-related attenuated familial adenomatous polyposis; Adenomas, multiple colorectal; FAP type 2. Identifiers: Orphanet 220460, Orphanet 247798, MedGen C3272841, MONDO:0012041, OMIM 608456.

Submissions (5):

Ambry Genetics
Classification: Likely pathogenic for Hereditary cancer-predisposing syndrome. Last evaluated: 2024-08-29. Review status: criteria provided, single submitter. Criteria: Ambry Variant Classification Scheme 2023. Collection method: clinical testing. Allele origin: germline.
Comment: The c.348+1G>T intronic variant results from a G to T substitution one nucleotide after coding exon 3 of the MUTYH gene. Alterations that disrupt the canonical splice site are expected to cause aberrant splicing, resulting in an abnormal protein or a transcript that is subject to nonsense-mediated mRNA decay. This nucleotide position is well conserved in available vertebrate species. In silico splice site analysis predicts that this alteration will weaken the native splice donor site and will result in the creation or strengthening of a novel splice donor site; however, direct evidence is insufficient at this time (Ambry internal data). This variant is considered to be rare based on population cohorts in the Genome Aggregation Database (gnomAD). Based on the majority of available evidence to date, this variant is likely to be pathogenic.

Quest Diagnostics Nichols Institute San Juan Capistrano
Classification: Likely pathogenic. Last evaluated: 2024-07-25. Review status: criteria provided, single submitter. Criteria: Quest Diagnostics criteria. Collection method: clinical testing. Allele origin: unknown.
Comment: The MUTYH c.348+1G>T variant disrupts a canonical splice-donor site and is predicted to interfere with normal MUTYH mRNA splicing. This variant has not been reported in individuals with MUTYH-related conditions in the published literature. This variant has not been reported in large, multi-ethnic general populations (Genome Aggregation Database). Based on the available information, this variant is classified as likely pathogenic.

Myriad Genetics, Inc.
Classification: Likely pathogenic for Familial adenomatous polyposis 2. Last evaluated: 2023-02-13. Review status: criteria provided, single submitter. Criteria: Myriad Autosomal Dominant, Autosomal Recessive and X-Linked Classification Criteria (2023). Collection method: clinical testing. Allele origin: unknown.
Comment: This variant is considered likely pathogenic. This variant occurs within a consensus splice junction and is predicted to result in abnormal mRNA splicing of either an out-of-frame exon or an in-frame exon necessary for protein stability and/or normal function.

Labcorp Genetics (formerly Invitae), Labcorp
Classification: Likely pathogenic for Familial adenomatous polyposis 2. Last evaluated: 2022-07-19. Review status: criteria provided, single submitter. Criteria: Invitae Variant Classification Sherloc (09022015). Collection method: clinical testing. Allele origin: germline.
Comment: In summary, the currently available evidence indicates that the variant is pathogenic, but additional data are needed to prove that conclusively. Therefore, this variant has been classified as Likely Pathogenic. Algorithms developed to predict the effect of sequence changes on RNA splicing suggest that this variant may disrupt the consensus splice site. ClinVar contains an entry for this variant (Variation ID: 485894). This variant has not been reported in the literature in individuals affected with MUTYH-related conditions. This variant is not present in population databases (gnomAD no frequency). This sequence change affects a donor splice site in intron 3 of the MUTYH gene. It is expected to disrupt RNA splicing. Variants that disrupt the donor or acceptor splice site typically lead to a loss of protein function (PMID: 16199547), and loss-of-function variants in MUTYH are known to be pathogenic (PMID: 18534194, 20663686).

Color Diagnostics, LLC DBA Color Health
Classification: Likely pathogenic for Hereditary cancer-predisposing syndrome. Last evaluated: 2020-04-14. Review status: criteria provided, single submitter. Criteria: ACMG Guidelines, 2015. Collection method: clinical testing. Allele origin: germline.
Comment: This variant causes a G to T nucleotide substitution at the +1 position of intron 3 of the MUTYH gene. Splice site prediction tools suggest that this variant may have a significant impact on RNA splicing. Although this prediction has not been confirmed in published RNA studies, this variant is expected to result in an absent or disrupted protein product. This variant has not been reported in individuals affected with hereditary cancer in the literature. This variant has not been identified in the general population by the Genome Aggregation Database (gnomAD). Loss of MUTYH function is a known mechanism of disease. Based on the available evidence, this variant is classified as Likely Pathogenic.

Literature cited by the submitters: PubMed 16199547 (cited by Labcorp Genetics (formerly Invitae), Labcorp); PubMed 18534194 (cited by Labcorp Genetics (formerly Invitae), Labcorp); PubMed 20663686 (cited by Labcorp Genetics (formerly Invitae), Labcorp).

NM_001048174.2(MUTYH):c.264+1G>T

Gene: MUTYH (mutY DNA glycosylase; minus strand). Cytogenetic location: 1p34.1.
Variant type: single nucleotide variant.
Coding change: c.264+1G>T on transcript NM_001048174.2 (MANE Select); the canonical splice donor site of the intron after coding-DNA position 264, G replaced by T.
Molecular consequence: splice donor variant.
Genome position (GRCh38, 1-based): chr1:45,333,412, C>A on the plus strand (G>T on the coding strand, the complement: MUTYH is on the minus strand). VCF-style: chr1-45333412-C-A. GRCh37 (hg19) VCF-style: chr1-45799084-C-A.
Other names: c.264+1G>T (NM_001407072.1, NM_001048171.2, NM_001407070.1 and 6 more transcripts); c.-8+1G>T (NM_001350651.2, NM_001350650.2, NM_001407082.1); c.-13+1G>T (NM_001293192.2, NM_001293196.2, NM_001407091.1); c.306+1G>T (NM_001407073.1, NM_001407083.1, NM_001407085.1); c.309+1G>T (NM_001293190.2); c.339+1G>T (NM_001407069.1, NM_012222.3); c.348+1G>T (NM_001128425.2); c.267+1G>T (NM_001407071.1, NM_001407079.1, NM_001048172.2 and 2 more transcripts); and 3 more.
Identifiers: ClinVar variation 485894 (VCV000485894.20), dbSNP rs1553130042, ClinGen allele CA340136330.
Genomic context (GRCh38, chr1:45,333,412, plus strand): 5'-TAGGGTGGAGGGGGCTGGGTGCCTGCCTCCCACCCACTGTCCCTGCTCCTCGCCTGCCTA[C>A]CCGTCTTCTCCATGGTAGGTCCCGTTTCTCTTGGTCGTACCAGCTTAGCAGGCTCCCTCG-3'